The following is an entry in ClinVar:

NM_000528.4(MAN2B1):c.2289_2295dup (p.Asn766fs)

Gene: MAN2B1 (mannosidase alpha class 2B member 1; minus strand). Cytogenetic location: 19p13.13.
Variant type: Duplication.
Coding change: c.2289_2295dup on transcript NM_000528.4 (MANE Select); coding-DNA positions 2289 to 2295, 7 bases duplicated (GAAACTG; older notation c.2289_2295dupGAAACTG).
Protein change: p.Asn766fs; shifts the reading frame from asparagine 766.
Molecular consequence: frameshift variant.
Genome position (GRCh38, 1-based): chr19:12,649,401-12,649,407, CAGTTTC duplicated on the plus strand (GAAACTG on the coding strand, the reverse complement: MAN2B1 is on the minus strand); duplicating any 7 consecutive bases within chr19:12,649,401-12,649,410 gives the same sequence; the c. name uses the placement nearest the transcript's 3' end. VCF-style (leftmost placement, unchanged base first): chr19-12649400-T-TCAGTTTC. GRCh37 (hg19) VCF-style: chr19-12760214-T-TCAGTTTC.
Other names: c.2286_2292dup, p.Asn765fs (NM_001173498.2); short protein forms N765fs, N766fs.
Identifiers: ClinVar variation 2801806 (VCV002801806.3), dbSNP rs2512488403, ClinGen allele CA2739276538.

ClinVar aggregate classification (germline): Pathogenic (1 of 4 stars; one submission).

Conditions:
Deficiency of alpha-mannosidase (MANSA). Also called: Mannosidosis, alpha-, types I and II; LYSOSOMAL ALPHA-D-MANNOSIDASE DEFICIENCY; Alpha-Mannosidosis. Identifiers: Orphanet 61, MedGen C0024748, MONDO:0009561, OMIM 248500.

Submission:

Labcorp Genetics (formerly Invitae), Labcorp
Classification: Pathogenic for Deficiency of alpha-mannosidase. Last evaluated: 2023-06-10. Review status: criteria provided, single submitter. Criteria: Invitae Variant Classification Sherloc (09022015). Collection method: clinical testing. Allele origin: germline.
Comment: For these reasons, this variant has been classified as Pathogenic. This variant has not been reported in the literature in individuals affected with MAN2B1-related conditions. This variant is not present in population databases (gnomAD no frequency). This sequence change creates a premature translational stop signal (p.Asn766Glufs*33) in the MAN2B1 gene. It is expected to result in an absent or disrupted protein product. Loss-of-function variants in MAN2B1 are known to be pathogenic (PMID: 9915946, 22161967).

Literature cited by the submitters: PubMed 9915946; PubMed 22161967.